The following is an entry in ClinVar:

NM_004434.3(EML1):c.253A>C (p.Arg85=)

Gene: EML1 (EMAP like 1; plus strand). Cytogenetic location: 14q32.2.
Variant type: single nucleotide variant.
Coding change: c.253A>C on transcript NM_004434.3 (MANE Select); coding-DNA position 253, A replaced by C.
Protein change: p.Arg85=; no amino-acid change (arginine 85 retained).
Molecular consequence: synonymous variant.
Genome position (GRCh38, 1-based): chr14:99,865,516, A>C. VCF-style: chr14-99865516-A-C. GRCh37 (hg19) VCF-style: chr14-100331853-A-C.
Other names: c.253A>C, p.Arg85= (NM_001008707.2, NM_001375412.1); c.214A>C, p.Arg72= (NM_001375411.1).
Identifiers: ClinVar variation 3046559 (VCV003046559.2), dbSNP rs369479741, ClinGen allele CA7342252.
Genomic context (GRCh38, chr14:99,865,516, plus strand): 5'-TAAAATGTTACCTTTGCAAAGGGGAACTTTCTGATATTATTTTCTGCTTGTCTTACAGCA[A>C]GACCACTGATGCAGACCCTGCCTTTAAGAACCACGGTCAACAATGGCACTGTGTTACCAA-3'
Protein context (NP_004425.2, residues 75-95): VLNRKGPTKA[Arg85=]PLMQTLPLRT

ClinVar aggregate classification (germline): Likely benign (0 of 4 stars; one submission).

Conditions:
EML1-related disorder. Also called: EML1-related condition.

Allele frequency attached by ClinVar (database versions not stated): gnomAD 0.00001; TOPMed 0.00001; ESP Exome Variant Server 0.00008.
gnomAD v4.1: 36 of 1,613,744 alleles (0.0022%); highest among the groups gnomAD compares: Non-Finnish European, 0.003%; no homozygotes.

Submission:

PreventionGenetics, part of Exact Sciences
Classification: Likely benign for EML1-related condition. Last evaluated: 2019-03-08. Review status: no assertion criteria provided. Collection method: clinical testing. Allele origin: germline.
Comment: This variant is classified as likely benign based on ACMG/AMP sequence variant interpretation guidelines (Richards et al. 2015 PMID: 25741868, with internal and published modifications).